The following is an entry in ClinVar:

ClinVar aggregate classification (germline): Uncertain significance. Review status: criteria provided, multiple submitters, no conflicts (2 of 4 stars). 3 submissions from 3 submitters: Uncertain significance (3). Last evaluated 2026-04-22.

Conditions:
Adams-Oliver syndrome 5 (AOS5). Identifiers: Orphanet 974, MedGen C4014970, MONDO:0014459, OMIM 616028.
Familial thoracic aortic aneurysm and aortic dissection (TAAD). Also called: Thoracic aortic aneurysms and dissections. Identifiers: Orphanet 91387, MedGen C4707243, MONDO:0019625.

Submissions (3):

GeneDx
Classification: Uncertain significance. Last evaluated: 2026-04-22. Review status: criteria provided, single submitter. Criteria: GeneDx Variant Classification Process June 2021. Collection method: clinical testing. Allele origin: germline.
Comment: Not observed at significant frequency in large population cohorts (gnomAD); In silico analysis supports that this missense variant has a deleterious effect on protein structure/function; Has not been previously published as pathogenic or benign to our knowledge

Labcorp Genetics (formerly Invitae), Labcorp
Classification: Uncertain significance for Adams-Oliver syndrome 5. Last evaluated: 2025-09-14. Review status: criteria provided, single submitter. Criteria: Invitae Variant Classification Sherloc (09022015). Collection method: clinical testing. Allele origin: germline.
Comment: This sequence change replaces proline, which is neutral and non-polar, with histidine, which is basic and polar, at codon 1048 of the NOTCH1 protein (p.Pro1048His). This variant is not present in population databases (gnomAD no frequency). This variant has not been reported in the literature in individuals affected with NOTCH1-related conditions. ClinVar contains an entry for this variant (Variation ID: 1958096). Invitae Evidence Modeling of protein sequence and biophysical properties (such as structural, functional, and spatial information, amino acid conservation, physicochemical variation, residue mobility, and thermodynamic stability) indicates that this missense variant is not expected to disrupt NOTCH1 protein function with a negative predictive value of 80%. In summary, the available evidence is currently insufficient to determine the role of this variant in disease. Therefore, it has been classified as a Variant of Uncertain Significance.

Ambry Genetics
Classification: Uncertain significance for Familial thoracic aortic aneurysm and aortic dissection. Last evaluated: 2024-12-29. Review status: criteria provided, single submitter. Criteria: Ambry Variant Classification Scheme 2023. Collection method: clinical testing. Allele origin: germline.
Comment: The p.P1048H variant (also known as c.3143C>A), located in coding exon 19 of the NOTCH1 gene, results from a C to A substitution at nucleotide position 3143. The proline at codon 1048 is replaced by histidine, an amino acid with similar properties. This amino acid position is conserved. In addition, this alteration is predicted to be deleterious by in silico analysis. Based on the available evidence, the clinical significance of this variant remains unclear.

NM_017617.5(NOTCH1):c.3143C>A (p.Pro1048His)

Gene: NOTCH1 (notch receptor 1; minus strand). Cytogenetic location: 9q34.3.
Variant type: single nucleotide variant.
Coding change: c.3143C>A on transcript NM_017617.5 (MANE Select); coding-DNA position 3143, C replaced by A.
Protein change: p.Pro1048His; replaces proline 1048 with histidine.
Molecular consequence: missense variant.
Genome position (GRCh38, 1-based): chr9:136,508,898, G>T on the plus strand (C>A on the coding strand, the complement: NOTCH1 is on the minus strand). VCF-style: chr9-136508898-G-T. GRCh37 (hg19) VCF-style: chr9-139403350-G-T.
Other names: c.3143C>A (NM_017617.3); short protein forms P1048H.
Identifiers: ClinVar variation 1958096 (VCV001958096.7), dbSNP rs1843132078, ClinGen allele CA375552688.
Genomic context (GRCh38, chr9:136,508,898, plus strand): 5'-CCTTCGGGCACCTCTGTGGCCGGCGCACTCACCTGGCAGTTGGGGCCAGTGTAGCCCTGG[G>T]GGCAGGTGCACCTGTAGGAGCCGCAGCCGTCCTGACAGGTGCCGCCATGCAGGCAGGGCT-3'
Protein context (NP_060087.3, residues 1038-1058): DGCGSYRCTC[Pro1048His]QGYTGPNCQN